The following is an entry in ClinVar:

ClinVar aggregate classification (germline): Uncertain significance. Review status: criteria provided, multiple submitters, no conflicts (2 of 4 stars). 2 submissions from 2 submitters: Uncertain significance (2). Last evaluated 2026-08-01.

Submissions (2):

CeGaT Center for Human Genetics Tuebingen
Classification: Uncertain significance. Last evaluated: 2026-08-01. Review status: criteria provided, single submitter. Criteria: CeGaT Center For Human Genetics Tuebingen Variant Classification Criteria Version 2. Collection method: clinical testing. Allele origin: germline. Affected: yes. Observed: 1 variant allele.
Comment: TBR1: PM2

Women's Health and Genetics/Laboratory Corporation of America, LabCorp
Classification: Uncertain significance. Last evaluated: 2024-06-13. Review status: criteria provided, single submitter. Criteria: LabCorp Variant Classification Summary - May 2015. Collection method: clinical testing. Allele origin: germline.
Comment: Variant summary: TBR1 c.1880G>C (p.Ser627Thr) results in a conservative amino acid change located in the T-box transcription factor-associated domain (IPR032385) of the encoded protein sequence. Four of five in-silico tools predict a benign effect of the variant on protein function. The variant was absent in 238284 control chromosomes. The available data on variant occurrences in the general population are insufficient to allow any conclusion about variant significance. To our knowledge, no occurrence of c.1880G>C in individuals affected with Autism 5 and no experimental evidence demonstrating its impact on protein function have been reported. No submitters have cited clinical-significance assessments for this variant to ClinVar. Based on the evidence outlined above, the variant was classified as uncertain significance.

NM_006593.4(TBR1):c.1880G>C (p.Ser627Thr)

Gene: TBR1 (T-box brain transcription factor 1; plus strand). Cytogenetic location: 2q24.2.
Variant type: single nucleotide variant.
Coding change: c.1880G>C on transcript NM_006593.4 (MANE Select); coding-DNA position 1880, G replaced by C.
Protein change: p.Ser627Thr; replaces serine 627 with threonine.
Molecular consequence: missense variant.
Genome position (GRCh38, 1-based): chr2:161,424,058, G>C. VCF-style: chr2-161424058-G-C. GRCh37 (hg19) VCF-style: chr2-162280569-G-C.
Other names: short protein forms S627T.
Identifiers: ClinVar variation 3339544 (VCV003339544.2).